The following is an entry in ClinVar:

ClinVar aggregate classification (germline): Uncertain significance. Review status: criteria provided, multiple submitters, no conflicts (2 of 4 stars). 3 submissions from 3 submitters: Uncertain significance (3). Last evaluated 2023-11-17.

Conditions:
Inborn genetic diseases. Identifiers: MedGen C0950123, MeSH D030342.
Microspherophakia. Identifiers: MedGen C1562061, HP:0030961.

Allele frequency attached by ClinVar (database versions not stated): gnomAD exomes 0.00002 and 0.00009; ExAC 0.00009; gnomAD 0.00022 and 0.00026; TOPMed 0.00025; ESP Exome Variant Server 0.00038.
gnomAD v4.1: 69 of 1,613,490 alleles (0.0043%); highest among the groups gnomAD compares: African/African-American, 0.072%; no homozygotes.

Submissions (3):

Ambry Genetics
Classification: Uncertain significance for Inborn genetic diseases. Last evaluated: 2023-11-17. Review status: criteria provided, single submitter. Criteria: Ambry Variant Classification Scheme 2023. Collection method: clinical testing. Allele origin: germline.

Labcorp Genetics (formerly Invitae), Labcorp
Classification: Uncertain significance. Last evaluated: 2022-10-25. Review status: criteria provided, single submitter. Criteria: Invitae Variant Classification Sherloc (09022015). Collection method: clinical testing. Allele origin: germline.
Comment: This sequence change replaces glutamic acid, which is acidic and polar, with glycine, which is neutral and non-polar, at codon 747 of the LTBP2 protein (p.Glu747Gly). This variant is present in population databases (rs142564366, gnomAD 0.1%). This variant has not been reported in the literature in individuals affected with LTBP2-related conditions. ClinVar contains an entry for this variant (Variation ID: 988083). Algorithms developed to predict the effect of missense changes on protein structure and function are either unavailable or do not agree on the potential impact of this missense change (SIFT: "Deleterious"; PolyPhen-2: "Benign"; Align-GVGD: "Class C65"). In summary, the available evidence is currently insufficient to determine the role of this variant in disease. Therefore, it has been classified as a Variant of Uncertain Significance.

Genetics Department, University Hospital of Toulouse
Classification: Uncertain significance for Microspherophakia and/or megalocornea, with ectopia lentis and with or without secondary glaucoma. Last evaluated: 2020-11-26. Review status: criteria provided, single submitter. Criteria: ACMG Guidelines, 2015. Collection method: clinical testing. Allele origin: germline. Affected: yes. Observed: 1 variant allele.
Comment: PM2, PP3

NM_000428.3(LTBP2):c.2240A>G (p.Glu747Gly)

Gene: LTBP2 (latent transforming growth factor beta binding protein 2; minus strand). Cytogenetic location: 14q24.3.
Variant type: single nucleotide variant.
Coding change: c.2240A>G on transcript NM_000428.3 (MANE Select); coding-DNA position 2240, A replaced by G.
Protein change: p.Glu747Gly; replaces glutamic acid 747 with glycine.
Molecular consequence: missense variant.
Genome position (GRCh38, 1-based): chr14:74,528,611, T>C on the plus strand (A>G on the coding strand, the complement: LTBP2 is on the minus strand). VCF-style: chr14-74528611-T-C. GRCh37 (hg19) VCF-style: chr14-74995314-T-C.
Other names: short protein forms E747G.
Identifiers: ClinVar variation 988083 (VCV000988083.7), dbSNP rs142564366, ClinGen allele CA7269600.